The following is an entry in ClinVar:

NM_002168.4(IDH2):c.266G>A (p.Arg89His)

Gene: IDH2 (isocitrate dehydrogenase (NADP(+)) 2; minus strand). Cytogenetic location: 15q26.1.
Variant type: single nucleotide variant.
Coding change: c.266G>A on transcript NM_002168.4 (MANE Select); coding-DNA position 266, G replaced by A.
Protein change: p.Arg89His; replaces arginine 89 with histidine.
Molecular consequence: missense variant. On other transcripts: intron variant (1).
Genome position (GRCh38, 1-based): chr15:90,090,586, C>T on the plus strand (G>A on the coding strand, the complement: IDH2 is on the minus strand). VCF-style: chr15-90090586-C-T. GRCh37 (hg19) VCF-style: chr15-90633818-C-T.
Other names: c.110G>A, p.Arg37His (NM_001289910.1); c.-17-1839G>A (NM_001290114.2); short protein forms R89H, R37H.
Identifiers: ClinVar variation 2733127 (VCV002733127.3), dbSNP rs371777275, ClinGen allele CA7733232.

ClinVar aggregate classification (germline): Uncertain significance (1 of 4 stars; one submission).

Conditions:
D-2-hydroxyglutaric aciduria 2 (D2HGA2). Identifiers: Orphanet 79315, MedGen C3150909, MONDO:0013345, OMIM 613657.

Allele frequency attached by ClinVar (database versions not stated): ExAC 0.00001; ESP Exome Variant Server 0.00008; gnomAD exomes below 0.00001.

Submission:

Labcorp Genetics (formerly Invitae), Labcorp
Classification: Uncertain significance for D-2-hydroxyglutaric aciduria 2. Last evaluated: 2025-05-20. Review status: criteria provided, single submitter. Criteria: Invitae Variant Classification Sherloc (09022015). Collection method: clinical testing. Allele origin: germline.
Comment: This sequence change replaces arginine, which is basic and polar, with histidine, which is basic and polar, at codon 89 of the IDH2 protein (p.Arg89His). This variant is present in population databases (rs371777275, gnomAD 0.007%). This variant has not been reported in the literature in individuals affected with IDH2-related conditions. ClinVar contains an entry for this variant (Variation ID: 2733127). Invitae Evidence Modeling of protein sequence and biophysical properties (such as structural, functional, and spatial information, amino acid conservation, physicochemical variation, residue mobility, and thermodynamic stability) indicates that this missense variant is expected to disrupt IDH2 protein function with a positive predictive value of 80%. In summary, the available evidence is currently insufficient to determine the role of this variant in disease. Therefore, it has been classified as a Variant of Uncertain Significance.